The following is an entry in ClinVar:

ClinVar aggregate classification (germline): Uncertain significance. Review status: criteria provided, single submitter (1 of 4 stars). 2 submissions from 2 submitters: Uncertain significance (1). 1 of the submissions does not count toward it. Last evaluated 2018-01-02.

Conditions:
Fanconi anemia (FA). Also called: Fanconi's anemia. Identifiers: Orphanet 84, MedGen C0015625, MeSH D005199, MONDO:0019391.
Fanconi anemia complementation group G. Also called: FANCG-Related Fanconi Anemia; Fanconi anemia group G. Identifiers: Orphanet 84, MedGen C3469527, MONDO:0013565, OMIM 614082.

Allele frequency attached by ClinVar (database versions not stated): TOPMed below 0.00001.

Submissions (2):

Labcorp Genetics (formerly Invitae), Labcorp
Classification: Uncertain significance for Fanconi anemia. Last evaluated: 2018-01-02. Review status: criteria provided, single submitter. Criteria: Invitae Variant Classification Sherloc (09022015). Collection method: clinical testing. Allele origin: germline.
Comment: This variant has not been reported in the literature in individuals with FANCG-related disease. This variant is not present in population databases (ExAC no frequency). This sequence change replaces threonine with alanine at codon 550 of the FANCG protein (p.Thr550Ala). The threonine residue is weakly conserved and there is a small physicochemical difference between threonine and alanine. Algorithms developed to predict the effect of missense changes on protein structure and function output the following: SIFT: "Tolerated"; PolyPhen-2: "Benign"; Align-GVGD: "Class C0". The alanine amino acid residue is found in multiple mammalian species, suggesting that this missense change does not adversely affect protein function. These predictions have not been confirmed by published functional studies and their clinical significance is uncertain. In summary, the available evidence is currently insufficient to determine the role of this variant in disease. Therefore, it has been classified as a Variant of Uncertain Significance.

Natera, Inc.
Classification: Uncertain significance for Fanconi anemia group G. Last evaluated: 2021-08-16. Review status: no assertion criteria provided. Collection method: clinical testing. Allele origin: germline. Not counted in ClinVar's aggregate classification.

NM_004629.2(FANCG):c.1648A>G (p.Thr550Ala)

Gene: FANCG (FA complementation group G; minus strand). Cytogenetic location: 9p13.3.
Variant type: single nucleotide variant.
Coding change: c.1648A>G on transcript NM_004629.2 (MANE Select); coding-DNA position 1648, A replaced by G.
Protein change: p.Thr550Ala; replaces threonine 550 with alanine.
Molecular consequence: missense variant.
Genome position (GRCh38, 1-based): chr9:35,074,483, T>C on the plus strand (A>G on the coding strand, the complement: FANCG is on the minus strand). VCF-style: chr9-35074483-T-C. GRCh37 (hg19) VCF-style: chr9-35074480-T-C.
Other names: short protein forms T550A.
Identifiers: ClinVar variation 526353 (VCV000526353.7), dbSNP rs1255677446, ClinGen allele CA373301289.